The following is an entry in ClinVar:

ClinVar aggregate classification (germline): Uncertain significance (1 of 4 stars; one submission).

Submission:

Labcorp Genetics (formerly Invitae), Labcorp
Classification: Uncertain significance. Last evaluated: 2022-05-30. Review status: criteria provided, single submitter. Criteria: Invitae Variant Classification Sherloc (09022015). Collection method: clinical testing. Allele origin: germline.
Comment: In summary, the available evidence is currently insufficient to determine the role of this variant in disease. Therefore, it has been classified as a Variant of Uncertain Significance. This variant has not been reported in the literature in individuals affected with SULF1-related conditions. This sequence change replaces asparagine, which is neutral and polar, with aspartic acid, which is acidic and polar, at codon 79 of the SULF1 protein (p.Asn79Asp). Algorithms developed to predict the effect of missense changes on protein structure and function are either unavailable or do not agree on the potential impact of this missense change (SIFT: "Tolerated"; PolyPhen-2: "Possibly Damaging"; Align-GVGD: "Class C0"). This variant is not present in population databases (gnomAD no frequency).

NM_001128205.2(SULF1):c.235A>G (p.Asn79Asp)

Gene: SULF1 (sulfatase 1; plus strand). Cytogenetic location: 8q13.2.
Variant type: single nucleotide variant.
Coding change: c.235A>G on transcript NM_001128205.2 (MANE Select); coding-DNA position 235, A replaced by G.
Protein change: p.Asn79Asp; replaces asparagine 79 with aspartic acid.
Molecular consequence: missense variant. On other transcripts: non-coding transcript variant (2).
Genome position (GRCh38, 1-based): chr8:69,576,032, A>G. VCF-style: chr8-69576032-A-G. GRCh37 (hg19) VCF-style: chr8-70488267-A-G.
Other names: c.235A>G, p.Asn79Asp (NM_001128204.2, NM_001128206.2, NM_001412828.1 and 19 more transcripts); c.49A>G, p.Asn17Asp (NM_001412841.1, NM_001412842.1); c.-292A>G (NM_001412844.1, NM_001412845.1); c.-1467A>G (NM_001412846.1); short protein forms N17D, N79D.
Identifiers: ClinVar variation 2001114 (VCV002001114.4), dbSNP rs2537043881, ClinGen allele CA371224058.
Genomic context (GRCh38, chr8:69,576,032, plus strand): 5'-TCCCTGCAAGTCATGAACAAAACGAGAAAGATTATGGAACATGGGGGGGCCACCTTCATC[A>G]ATGCCTTTGTGACTACACCCATGTGCTGCCCGTCACGGTCCTCCATGCTCACCGGGAAGT-3'
Protein context (NP_001121677.1, residues 69-89): IMEHGGATFI[Asn79Asp]AFVTTPMCCP